The following is an entry in ClinVar:

NM_024675.4(PALB2):c.1035A>G (p.Leu345=)

Gene: PALB2 (partner and localizer of BRCA2; minus strand). Cytogenetic location: 16p12.2.
Variant type: single nucleotide variant.
Coding change: c.1035A>G on transcript NM_024675.4 (MANE Select); coding-DNA position 1035, A replaced by G.
Protein change: p.Leu345=; no amino-acid change (leucine 345 retained).
Molecular consequence: synonymous variant. On other transcripts: intron variant (3).
Genome position (GRCh38, 1-based): chr16:23,635,511, T>C on the plus strand (A>G on the coding strand, the complement: PALB2 is on the minus strand). VCF-style: chr16-23635511-T-C. GRCh37 (hg19) VCF-style: chr16-23646832-T-C.
Other names: c.975A>G, p.Leu325= (NM_001407296.1); c.1035A>G, p.Leu345= (NM_001407297.1, NM_001407298.1, NM_001407299.1 and 3 more transcripts); c.150A>G, p.Leu50= (NM_001407304.1, NM_001407305.1, NM_001407306.1 and 5 more transcripts); c.48+5599A>G (NM_001407314.1); c.-104-5042A>G (NM_001407313.1, NM_001407312.1).
Identifiers: ClinVar variation 2774018 (VCV002774018.5), dbSNP rs876658634, ClinGen allele CA494461637.

ClinVar aggregate classification (germline): Benign/Likely benign. Review status: criteria provided, multiple submitters, no conflicts (2 of 4 stars). 3 submissions from 3 submitters: Benign (1); Likely benign (2). Last evaluated 2025-11-19.

Conditions:
Hereditary cancer-predisposing syndrome. Also called: Hereditary neoplastic syndrome; Hereditary Cancer Syndrome; Neoplastic Syndromes, Hereditary; Tumor predisposition. Identifiers: Orphanet 140162, MedGen C0027672, MeSH D009386, MONDO:0015356.
Familial cancer of breast. Also called: hereditary breast carcinoma; BREAST CANCER, FAMILIAL; Hereditary breast cancer. Identifiers: Orphanet 227535, MedGen C0346153, MONDO:0016419, OMIM 114480. Disease mechanism: loss of function.

Allele frequency attached by ClinVar (database versions not stated): gnomAD 0.00001.
gnomAD v4.1: 1 of 1,613,894 alleles (0.000062%); highest among the groups gnomAD compares: East Asian, 0.0022%; no homozygotes.

Submissions (3):

Labcorp Genetics (formerly Invitae), Labcorp
Classification: Likely benign for Familial cancer of breast. Last evaluated: 2025-11-19. Review status: criteria provided, single submitter. Criteria: Invitae Variant Classification Sherloc (09022015). Collection method: clinical testing. Allele origin: germline.

Myriad Genetics, Inc.
Classification: Benign for Familial cancer of breast. Last evaluated: 2025-01-13. Review status: criteria provided, single submitter. Criteria: Myriad Autosomal Dominant, Autosomal Recessive and X-Linked Classification Criteria (2023). Collection method: clinical testing. Allele origin: unknown.
Comment: This variant is considered benign. This variant is a silent/synonymous amino acid change and it is not expected to impact splicing.

Color Diagnostics, LLC DBA Color Health
Classification: Likely benign for Hereditary cancer-predisposing syndrome. Last evaluated: 2022-12-05. Review status: criteria provided, single submitter. Criteria: ACMG Guidelines, 2015. Collection method: clinical testing. Allele origin: germline.